The following is an entry in ClinVar:

NM_004972.4(JAK2):c.1054C>T (p.Leu352=)

Genes: INSL6 (insulin like 6; minus strand), JAK2 (Janus kinase 2; plus strand). Cytogenetic location: 9p24.1.
Variant type: single nucleotide variant.
Coding change: c.1054C>T on transcript NM_004972.4 (MANE Select); coding-DNA position 1054, C replaced by T.
Protein change: p.Leu352=; no amino-acid change (leucine 352 retained).
Molecular consequence: synonymous variant. On other transcripts: 5 prime UTR variant (2), non-coding transcript variant (2).
Genome position (GRCh38, 1-based): chr9:5,055,786, C>T. VCF-style: chr9-5055786-C-T. GRCh37 (hg19) VCF-style: chr9-5055786-C-T.
Other names: c.1054C>T, p.Leu352= (NM_001322194.2, NM_001322195.2, NM_001322196.2); c.-162C>T (NM_001322198.2, NM_001322199.2); c.607C>T, p.Leu203= (NM_001322204.2).
Identifiers: ClinVar variation 2585137 (VCV002585137.1), dbSNP rs763096519, ClinGen allele CA4971718.

ClinVar aggregate classification (germline): Uncertain significance (1 of 4 stars; one submission).

Conditions:
Thrombocythemia 3 (THCYT3). Also called: THROMBOCYTOSIS 3; THROMBOCYTHEMIA 3, SOMATIC. Identifiers: MedGen C3281125, MONDO:0013794, OMIM 614521.

Allele frequency attached by ClinVar (database versions not stated): gnomAD exomes below 0.00001; ExAC 0.00001.
gnomAD v4.1: 3 of 1,609,386 alleles (0.00019%); highest among the groups gnomAD compares: South Asian, 0.0022%; no homozygotes.

Submission:

Neuberg Centre For Genomic Medicine, NCGM
Classification: Uncertain significance for Thrombocythemia 3. Review status: criteria provided, single submitter. Criteria: ACMG Guidelines, 2015. Collection method: clinical testing. Allele origin: germline. Inheritance: Autosomal dominant inheritance. Affected: yes.
Comment: The splice site c.1054C>T (p.Leu352) variant in JAK2 gene has not been reported previously as a pathogenic variant nor as a benign variant, to our knowledge. This variant is reported with the allele frequency 0.0004% in the gnomAD and novel in 1000 genome database. This variant lies in the splice site region. For this reason, this variant is classified as Uncertain significance